The following is an entry in ClinVar:

NM_004990.4(MARS1):c.1892G>T (p.Ser631Ile)

Gene: MARS1 (methionyl-tRNA synthetase 1; plus strand). Cytogenetic location: 12q13.3.
Variant type: single nucleotide variant.
Coding change: c.1892G>T on transcript NM_004990.4 (MANE Select); coding-DNA position 1892, G replaced by T.
Protein change: p.Ser631Ile; replaces serine 631 with isoleucine.
Molecular consequence: missense variant.
Genome position (GRCh38, 1-based): chr12:57,512,889, G>T. VCF-style: chr12-57512889-G-T. GRCh37 (hg19) VCF-style: chr12-57906672-G-T.
Other names: short protein forms S631I.
Identifiers: ClinVar variation 2199007 (VCV002199007.5), dbSNP rs745706047, ClinGen allele CA6650645.
Genomic context (GRCh38, chr12:57,512,889, plus strand): 5'-GGATCCCTGCTGACATCTGGCGCTTCTATCTGCTGTACATTCGGCCTGAGGGCCAGGACA[G>T]TGCTTTCTCCTGGACGGACCTGCTGCTGAAGAATAATTCTGAGCTGCTTAACAACCTGGG-3'
Protein context (NP_004981.2, residues 621-641): LLYIRPEGQD[Ser631Ile]AFSWTDLLLK

ClinVar aggregate classification (germline): Uncertain significance. Review status: criteria provided, multiple submitters, no conflicts (2 of 4 stars). 2 submissions from 2 submitters: Uncertain significance (2). Last evaluated 2022-12-14.

Conditions:
Severe early-onset pulmonary alveolar proteinosis due to MARS deficiency. Also called: PULMONARY ALVEOLAR PROTEINOSIS, REUNION ISLAND; Interstitial lung and liver disease. Identifiers: Orphanet 440427, MedGen C4225400, MONDO:0014206, OMIM 615486.
Charcot-Marie-Tooth disease axonal type 2U. Also called: CHARCOT-MARIE-TOOTH NEUROPATHY, TYPE 2U; CHARCOT-MARIE-TOOTH DISEASE, AXONAL, AUTOSOMAL DOMINANT, TYPE 2U. Identifiers: Orphanet 397735, MedGen C4084821, MONDO:0014566, OMIM 616280.

Allele frequency attached by ClinVar (database versions not stated): ExAC 0.00002.
gnomAD v4.1: 60 of 1,614,148 alleles (0.0037%); highest among the groups gnomAD compares: Non-Finnish European, 0.005%; no homozygotes.

Submissions (2):

Labcorp Genetics (formerly Invitae), Labcorp
Classification: Uncertain significance for Charcot-Marie-Tooth disease axonal type 2U; Severe early-onset pulmonary alveolar proteinosis due to MARS deficiency. Last evaluated: 2022-12-14. Review status: criteria provided, single submitter. Criteria: Invitae Variant Classification Sherloc (09022015). Collection method: clinical testing. Allele origin: germline.
Comment: In summary, the available evidence is currently insufficient to determine the role of this variant in disease. Therefore, it has been classified as a Variant of Uncertain Significance. Algorithms developed to predict the effect of missense changes on protein structure and function (SIFT, PolyPhen-2, Align-GVGD) all suggest that this variant is likely to be disruptive. This variant has not been reported in the literature in individuals affected with MARS-related conditions. This variant is present in population databases (rs745706047, gnomAD 0.002%). This sequence change replaces serine, which is neutral and polar, with isoleucine, which is neutral and non-polar, at codon 631 of the MARS protein (p.Ser631Ile).

Blueprint Genetics
Classification: Uncertain significance. Last evaluated: 2021-08-05. Review status: criteria provided, single submitter. Criteria: ACMG Guidelines, 2015. Collection method: clinical testing. Allele origin: germline.